The following is an entry in ClinVar:

NM_001148.6(ANK2):c.6878G>T (p.Gly2293Val)

Genes: ANK2 (ankyrin 2; plus strand), LOC126807137 (CDK7 strongly-dependent group 2 enhancer GRCh37_chr4:114276560-114277759; plus strand). Cytogenetic location: 4q26.
Variant type: single nucleotide variant.
Coding change: c.6878G>T on transcript NM_001148.6 (MANE Select); coding-DNA position 6878, G replaced by T.
Protein change: p.Gly2293Val; replaces glycine 2293 with valine.
Molecular consequence: missense variant. On other transcripts: intron variant (68).
Genome position (GRCh38, 1-based): chr4:113,355,496, G>T. VCF-style: chr4-113355496-G-T. GRCh37 (hg19) VCF-style: chr4-114276652-G-T.
Other names: c.6644G>T, p.Gly2215Val (NM_001386142.1); c.3278G>T, p.Gly1093Val (NM_001386166.1); c.7019G>T, p.Gly2340Val (NM_001386174.1); c.6995G>T, p.Gly2332Val (NM_001386175.1); c.4411+5247G>T (NM_001386186.2, NM_001386148.2); c.4213+5247G>T (NM_001354269.3); c.4291+5247G>T (NM_001386187.2); c.4252+5247G>T (NM_001386147.1); and 35 more; short protein forms G2293V, G1093V, G2215V, G2332V, G2340V.
Identifiers: ClinVar variation 496112 (VCV000496112.8), dbSNP rs776469600, ClinGen allele CA3051487.

ClinVar aggregate classification (germline): Conflicting classifications of pathogenicity. Review status: criteria provided, conflicting classifications (1 of 4 stars). 4 submissions from 4 submitters: Uncertain significance (3); Likely benign (1). Last evaluated 2026-07-01.

Conditions:
Long QT syndrome (LQTS). Identifiers: MedGen C0023976, MeSH D008133, MONDO:0002442. Disease mechanism: loss of function. Inheritance: Various modes of inheritance.

Allele frequency attached by ClinVar (database versions not stated): TOPMed 0.00002; gnomAD 0.00001.
gnomAD v4.1: 12 of 1,613,906 alleles (0.00074%); highest among the groups gnomAD compares: South Asian, 0.0011%; no homozygotes.

Submissions (4):

CeGaT Center for Human Genetics Tuebingen
Classification: Likely benign. Last evaluated: 2026-07-01. Review status: criteria provided, single submitter. Criteria: CeGaT Center For Human Genetics Tuebingen Variant Classification Criteria Version 2. Collection method: clinical testing. Allele origin: germline. Affected: yes. Observed: 1 variant allele.
Comment: ANK2: BP4

Labcorp Genetics (formerly Invitae), Labcorp
Classification: Uncertain significance for Long QT syndrome. Last evaluated: 2025-05-16. Review status: criteria provided, single submitter. Criteria: Invitae Variant Classification Sherloc (09022015). Collection method: clinical testing. Allele origin: germline.
Comment: This sequence change replaces glycine, which is neutral and non-polar, with valine, which is neutral and non-polar, at codon 2293 of the ANK2 protein (p.Gly2293Val). This variant is present in population databases (rs776469600, gnomAD 0.0009%). This variant has not been reported in the literature in individuals affected with ANK2-related conditions. ClinVar contains an entry for this variant (Variation ID: 496112). An algorithm developed to predict the effect of missense changes on protein structure and function (PolyPhen-2) suggests that this variant is likely to be tolerated. In summary, the available evidence is currently insufficient to determine the role of this variant in disease. Therefore, it has been classified as a Variant of Uncertain Significance.

Mayo Clinic Laboratories, Mayo Clinic
Classification: Uncertain significance. Last evaluated: 2021-02-11. Review status: criteria provided, single submitter. Criteria: ACMG Guidelines, 2015. Collection method: clinical testing. Allele origin: germline. Observed: 1 variant allele.

Women's Health and Genetics/Laboratory Corporation of America, LabCorp
Classification: Uncertain significance. Last evaluated: 2017-06-26. Review status: criteria provided, single submitter. Criteria: LabCorp Variant Classification Summary - May 2015. Collection method: clinical testing. Allele origin: germline.
Comment: Variant summary: The ANK2 c.6878G>T (p.Gly2293Val) variant involves the alteration of a not conserved nucleotide. 4/5 in silico tools predict a benign outcome for this variant. This variant was found in 1/117876 control chromosomes at a frequency of 0.0000085, which does not exceed the estimated maximal expected allele frequency of a pathogenic ANK2 variant (0.00001). The variant of interest has not, to our knowledge, been reported in affected individuals via publications and/or reputable databases/clinical diagnostic laboratories; nor evaluated for functional impact by in vivo/vitro studies. Because of the absence of clinical information and the lack of functional studies, the variant is classified as a variant of uncertain significance (VUS) until additional information becomes available.